The following is an entry in ClinVar:

NM_001369.3(DNAH5):c.13037G>A (p.Gly4346Asp)

Gene: DNAH5 (dynein axonemal heavy chain 5; minus strand). Cytogenetic location: 5p15.2.
Variant type: single nucleotide variant.
Coding change: c.13037G>A on transcript NM_001369.3 (MANE Select); coding-DNA position 13037, G replaced by A.
Protein change: p.Gly4346Asp; replaces glycine 4346 with aspartic acid.
Molecular consequence: missense variant.
Genome position (GRCh38, 1-based): chr5:13,714,493, C>T on the plus strand (G>A on the coding strand, the complement: DNAH5 is on the minus strand). VCF-style: chr5-13714493-C-T. GRCh37 (hg19) VCF-style: chr5-13714602-C-T.
Other names: short protein forms G4346D.
Identifiers: ClinVar variation 1711600 (VCV001711600.30), dbSNP rs371027404, ClinGen allele CA3201469.
Genomic context (GRCh38, chr5:13,714,493, plus strand): 5'-TTCTCCAGCATATCATCAGCCAGCCGGGCCACCACCGCCTCCCGGGTCTCATCCCCTCCA[C>T]CAGAGGTGTCCTTGGGTTGGATGCCTAGGATGGTGTCCAGCACGTCCTTGGCCAGCTTGC-3'
Protein context (NP_001360.1, residues 4336-4356): ILGIQPKDTS[Gly4346Asp]GGDETREAVV

ClinVar aggregate classification (germline): Uncertain significance (1 of 4 stars; one submission).

Allele frequency attached by ClinVar (database versions not stated): ExAC 0.00002.
gnomAD v4.1: 6 of 1,614,174 alleles (0.00037%); highest among the groups gnomAD compares: South Asian, 0.0033%; no homozygotes.

Submission:

CeGaT Center for Human Genetics Tuebingen
Classification: Uncertain significance. Last evaluated: 2022-09-01. Review status: criteria provided, single submitter. Criteria: CeGaT Center For Human Genetics Tuebingen Variant Classification Criteria Version 2. Collection method: clinical testing. Allele origin: germline. Affected: yes. Observed: 1 variant allele.
Comment: DNAH5: PM2, BP4